The following is an entry in ClinVar:

NM_017950.4(CCDC40):c.1467C>A (p.Ser489Arg)

Gene: CCDC40 (coiled-coil domain 40 molecular ruler complex subunit; plus strand). Cytogenetic location: 17q25.3.
Variant type: single nucleotide variant.
Coding change: c.1467C>A on transcript NM_017950.4 (MANE Select); coding-DNA position 1467, C replaced by A.
Protein change: p.Ser489Arg; replaces serine 489 with arginine.
Molecular consequence: missense variant.
Genome position (GRCh38, 1-based): chr17:80,065,511, C>A. VCF-style: chr17-80065511-C-A. GRCh37 (hg19) VCF-style: chr17-78039310-C-A.
Other names: c.1467C>A, p.Ser489Arg (NM_001243342.2, NM_001330508.2); short protein forms S489R.
Identifiers: ClinVar variation 407772 (VCV000407772.10), dbSNP rs200154414, ClinGen allele CA8813852.

ClinVar aggregate classification (germline): Uncertain significance. Review status: criteria provided, multiple submitters, no conflicts (2 of 4 stars). 4 submissions from 4 submitters: Uncertain significance (2). 2 of the submissions do not count toward it. Last evaluated 2023-08-24.

Conditions:
Primary ciliary dyskinesia. Also called: Ciliary dyskinesia. Identifiers: Orphanet 244, MedGen C0008780, MONDO:0016575, HP:0012265.

Allele frequency attached by ClinVar (database versions not stated): TOPMed 0.00005.
gnomAD v4.1: 196 of 1,613,112 alleles (0.012%); highest among the groups gnomAD compares: South Asian, 0.13%; no homozygotes.

Submissions (4):

Labcorp Genetics (formerly Invitae), Labcorp
Classification: Uncertain significance for Primary ciliary dyskinesia. Last evaluated: 2023-08-24. Review status: criteria provided, single submitter. Criteria: Invitae Variant Classification Sherloc (09022015). Collection method: clinical testing. Allele origin: germline.
Comment: This sequence change replaces serine, which is neutral and polar, with arginine, which is basic and polar, at codon 489 of the CCDC40 protein (p.Ser489Arg). In summary, the available evidence is currently insufficient to determine the role of this variant in disease. Therefore, it has been classified as a Variant of Uncertain Significance. Advanced modeling of protein sequence and biophysical properties (such as structural, functional, and spatial information, amino acid conservation, physicochemical variation, residue mobility, and thermodynamic stability) performed at Invitae indicates that this missense variant is not expected to disrupt CCDC40 protein function. ClinVar contains an entry for this variant (Variation ID: 407772). This variant has not been reported in the literature in individuals affected with CCDC40-related conditions. This variant is present in population databases (rs200154414, gnomAD 0.1%).

Ambry Genetics
Classification: Uncertain significance for Primary ciliary dyskinesia. Last evaluated: 2018-09-17. Review status: criteria provided, single submitter. Criteria: Ambry Variant Classification Scheme 2023. Collection method: clinical testing. Allele origin: germline.
Comment: The p.S489R variant (also known as c.1467C>A), located in coding exon 10 of the CCDC40 gene, results from a C to A substitution at nucleotide position 1467. The serine at codon 489 is replaced by arginine, an amino acid with dissimilar properties. This amino acid position is poorly conserved in available vertebrate species. In addition, this alteration is predicted to be tolerated by in silico analysis. Since supporting evidence is limited at this time, the clinical significance of this alteration remains unclear.

Clinical Genetics DNA and cytogenetics Diagnostics Lab, Erasmus MC, Erasmus Medical Center
Classification: Likely benign. Review status: no assertion criteria provided. Collection method: clinical testing. Allele origin: germline. Affected: yes. Study: VKGL Data-share Consensus. Not counted in ClinVar's aggregate classification.

Laboratory of Diagnostic Genome Analysis, Leiden University Medical Center (LUMC)
Classification: Likely benign. Review status: no assertion criteria provided. Collection method: clinical testing. Allele origin: germline. Affected: yes. Study: VKGL Data-share Consensus. Not counted in ClinVar's aggregate classification.